The following is an entry in ClinVar:

NM_002449.5(MSX2):c.445T>C (p.Phe149Leu)

Gene: MSX2 (msh homeobox 2; plus strand). Cytogenetic location: 5q35.2.
Variant type: single nucleotide variant.
Coding change: c.445T>C on transcript NM_002449.5 (MANE Select); coding-DNA position 445, T replaced by C.
Protein change: p.Phe149Leu; replaces phenylalanine 149 with leucine.
Molecular consequence: missense variant. On other transcripts: 3 prime UTR variant (1).
Genome position (GRCh38, 1-based): chr5:174,729,224, T>C. VCF-style: chr5-174729224-T-C. GRCh37 (hg19) VCF-style: chr5-174156227-T-C.
Other names: c.*69T>C (NM_001363626.2); short protein forms F149L.
Identifiers: ClinVar variation 3365960 (VCV003365960.1).

ClinVar aggregate classification (germline): Uncertain significance (1 of 4 stars; one submission).

Submission:

GeneDx
Classification: Uncertain significance. Last evaluated: 2023-12-18. Review status: criteria provided, single submitter. Criteria: GeneDx Variant Classification Process June 2021. Collection method: clinical testing. Allele origin: germline. Affected: yes.
Comment: Not observed at significant frequency in large population cohorts (gnomAD); In silico analysis supports that this missense variant has a deleterious effect on protein structure/function; Has not been previously published as pathogenic or benign to our knowledge